The following is an entry in ClinVar:

GRCh38/hg38 14q24.1(chr14:67876421-69247382)x1

Genes: ACTN1 (actinin alpha 1; minus strand), ACTN1-DT (ACTN1 divergent transcript; plus strand), DCAF5 (DDB1 and CUL4 associated factor 5; minus strand), EXD2 (exonuclease 3'-5' domain containing 2; plus strand), GALNT16-AS1 (GALNT16 and EXD2 antisense RNA 1; minus strand) and 81 more. Cytogenetic location: 14q24.1.
Variant type: copy number loss.
Change: copy number 1 (one copy instead of two) of chr14:67,876,421-69,247,382 (1.37 Mb, GRCh38 coordinates, 1-based), cytogenetic band 14q24.1.
Identifiers: ClinVar variation 57807 (VCV000057807.2).

ClinVar aggregate classification (germline): Likely pathogenic (0 of 4 stars; one submission).

Submission:

ISCA site 1
Classification: Likely pathogenic. Last evaluated: 2011-05-06. Review status: no assertion criteria provided. Collection method: clinical testing. Allele origin: maternal. Affected: yes. Observed: 1 variant allele.
Comment: Copy number variation identified through the course of routine clinical cytogenomic testing in postnatal populations. Clinical assertions have been curated as described in Kaminsky et al. 2011.

Copy number variation identified through the course of routine clinical cytogenomic testing in postnatal populations. Clinical assertions have been curated as described in Kaminsky, et al. 2011 (PubMed 21844811). For additional ClinGen data, please see nstd37.